The following is an entry in ClinVar:

NM_052945.4(TNFRSF13C):c.433T>A (p.Trp145Arg)

Gene: TNFRSF13C (TNF receptor superfamily member 13C; minus strand). Cytogenetic location: 22q13.2.
Variant type: single nucleotide variant.
Coding change: c.433T>A on transcript NM_052945.4 (MANE Select); coding-DNA position 433, T replaced by A.
Protein change: p.Trp145Arg; replaces tryptophan 145 with arginine.
Molecular consequence: missense variant.
Genome position (GRCh38, 1-based): chr22:41,925,489, A>T on the plus strand (T>A on the coding strand, the complement: TNFRSF13C is on the minus strand). VCF-style: chr22-41925489-A-T. GRCh37 (hg19) VCF-style: chr22-42321493-A-T.
Other names: short protein forms W145R.
Identifiers: ClinVar variation 1493315 (VCV001493315.8), dbSNP rs1180513439, ClinGen allele CA411762717.

ClinVar aggregate classification (germline): Uncertain significance (1 of 4 stars; one submission).

Conditions:
Immunodeficiency, common variable, 4. Also called: ANTIBODY DEFICIENCY DUE TO BAFFR DEFECT. Identifiers: Orphanet 1572, Orphanet 696925, MedGen C3150739, MONDO:0013284, OMIM 613494.

Allele frequency attached by ClinVar (database versions not stated): gnomAD exomes below 0.00001 and 0.00001; TOPMed below 0.00001; gnomAD 0.00001.

Submission:

Labcorp Genetics (formerly Invitae), Labcorp
Classification: Uncertain significance for Immunodeficiency, common variable, 4. Last evaluated: 2022-08-23. Review status: criteria provided, single submitter. Criteria: Invitae Variant Classification Sherloc (09022015). Collection method: clinical testing. Allele origin: germline.
Comment: In summary, the available evidence is currently insufficient to determine the role of this variant in disease. Therefore, it has been classified as a Variant of Uncertain Significance. Algorithms developed to predict the effect of missense changes on protein structure and function are either unavailable or do not agree on the potential impact of this missense change (SIFT: "Tolerated"; PolyPhen-2: "Possibly Damaging"; Align-GVGD: "Class C0"). ClinVar contains an entry for this variant (Variation ID: 1493315). This variant has not been reported in the literature in individuals affected with TNFRSF13C-related conditions. This variant is present in population databases (no rsID available, gnomAD 0.002%). This sequence change replaces tryptophan, which is neutral and slightly polar, with arginine, which is basic and polar, at codon 145 of the TNFRSF13C protein (p.Trp145Arg).